The following is an entry in ClinVar:

NM_001364564.1(SALL2):c.2959T>C (p.Ser987Pro)

Gene: SALL2 (spalt like transcription factor 2; minus strand). Cytogenetic location: 14q11.2.
Variant type: single nucleotide variant.
Coding change: c.2959T>C on transcript NM_001364564.1 (MANE Select); coding-DNA position 2959, T replaced by C.
Protein change: p.Ser987Pro; replaces serine 987 with proline.
Molecular consequence: missense variant. On other transcripts: intron variant (2).
Genome position (GRCh38, 1-based): chr14:21,522,763, A>G on the plus strand (T>C on the coding strand, the complement: SALL2 is on the minus strand). VCF-style: chr14-21522763-A-G. GRCh37 (hg19) VCF-style: chr14-21990897-A-G.
Other names: c.2965T>C, p.Ser989Pro (NM_005407.3); c.2490+70T>C (NM_001291446.2); c.2484+70T>C (NM_001291447.2); c.2965T>C (NM_005407.2); short protein forms S987P, S989P.
Identifiers: ClinVar variation 2056324 (VCV002056324.6), dbSNP rs142138768, ClinGen allele CA7093384.

ClinVar aggregate classification (germline): Benign. Review status: criteria provided, single submitter (1 of 4 stars). 2 submissions from 2 submitters: Benign (1). 1 of the submissions does not count toward it. Last evaluated 2026-01-08.

Conditions:
SALL2-related disorder. Also called: SALL2-related condition.

Allele frequency attached by ClinVar (database versions not stated): 1000 Genomes Project 30x 0.00062; ESP Exome Variant Server 0.00069; 1000 Genomes Project 0.00080; TOPMed 0.00103; gnomAD 0.00119; ExAC 0.00136.
gnomAD v4.1: 2,019 of 1,567,112 alleles (0.13%); highest among the groups gnomAD compares: South Asian, 0.61%; 13 homozygotes.

Submissions (2):

Labcorp Genetics (formerly Invitae), Labcorp
Classification: Benign. Last evaluated: 2026-01-08. Review status: criteria provided, single submitter. Criteria: Invitae Variant Classification Sherloc (09022015). Collection method: clinical testing. Allele origin: germline.

PreventionGenetics, part of Exact Sciences
Classification: Likely benign for SALL2-related condition. Last evaluated: 2020-07-13. Review status: no assertion criteria provided. Collection method: clinical testing. Allele origin: germline. Not counted in ClinVar's aggregate classification.
Comment: This variant is classified as likely benign based on ACMG/AMP sequence variant interpretation guidelines (Richards et al. 2015 PMID: 25741868, with internal and published modifications).